The following is an entry in ClinVar:

ClinVar aggregate classification (germline): Uncertain significance (1 of 4 stars; one submission).

Submission:

GeneDx
Classification: Uncertain significance. Last evaluated: 2026-03-12. Review status: criteria provided, single submitter. Criteria: GeneDx Variant Classification Process June 2021. Collection method: clinical testing. Allele origin: germline.
Comment: Not observed at significant frequency in large population cohorts (gnomAD); In silico analysis supports that this missense variant has a deleterious effect on protein structure/function; Has not been previously published as pathogenic or benign to our knowledge

NM_020987.5(ANK3):c.1091C>A (p.Thr364Asn)

Gene: ANK3 (ankyrin 3; minus strand). Cytogenetic location: 10q21.2.
Variant type: single nucleotide variant.
Coding change: c.1091C>A on transcript NM_020987.5 (MANE Select); coding-DNA position 1091, C replaced by A.
Protein change: p.Thr364Asn; replaces threonine 364 with asparagine.
Molecular consequence: missense variant.
Genome position (GRCh38, 1-based): chr10:60,208,139, G>T on the plus strand (C>A on the coding strand, the complement: ANK3 is on the minus strand). VCF-style: chr10-60208139-G-T. GRCh37 (hg19) VCF-style: chr10-61967897-G-T.
Other names: c.1073C>A, p.Thr358Asn (NM_001204403.2); c.1040C>A, p.Thr347Asn (NM_001204404.2); c.1091C>A, p.Thr364Asn (NM_001320874.2); short protein forms T347N, T358N, T364N.
Identifiers: ClinVar variation 5008556 (VCV005008556.1).